The following is an entry in ClinVar:

ClinVar aggregate classification (germline): Benign/Likely benign. Review status: criteria provided, multiple submitters, no conflicts (2 of 4 stars). 5 submissions from 5 submitters: Benign (2); Likely benign (3). Last evaluated 2024-03-27.

Conditions:
Cardiovascular phenotype. Identifiers: MedGen CN230736.
Arrhythmogenic right ventricular dysplasia 5. Also called: Arrhythmogenic Right Ventricular Dysplasia/Cardiomyopathy 5; ARRHYTHMOGENIC RIGHT VENTRICULAR DYSPLASIA, FAMILIAL, 5. Identifiers: MedGen C1858379, MONDO:0011459, OMIM 604400.
Cardiomyopathy (CMYO). Also called: Cardiomyopathies. Identifiers: Orphanet 167848, MedGen C0878544, MONDO:0004994, HP:0001638. Inheritance: Various modes of inheritance.

Allele frequency attached by ClinVar (database versions not stated): TOPMed 0.00001; ExAC 0.00033.
gnomAD v4.1: 207 of 1,610,414 alleles (0.013%); highest among the groups gnomAD compares: South Asian, 0.22%; 2 homozygotes.

Submissions (5):

Blueprint Genetics
Classification: Likely benign. Last evaluated: 2024-03-27. Review status: criteria provided, single submitter. Criteria: ACMG Guidelines, 2015. Collection method: clinical testing. Allele origin: germline.

Ambry Genetics
Classification: Benign for Cardiovascular phenotype. Last evaluated: 2024-02-15. Review status: criteria provided, single submitter. Criteria: Ambry Variant Classification Scheme 2023. Collection method: clinical testing. Allele origin: germline.

All of Us Research Program, National Institutes of Health
Classification: Likely benign for Arrhythmogenic right ventricular dysplasia 5. Last evaluated: 2023-12-18. Review status: criteria provided, single submitter. Criteria: ACMG Guidelines, 2015. Collection method: clinical testing. Allele origin: germline. Inheritance: Autosomal dominant inheritance. Observed: 9 variant alleles, 9 heterozygotes.
Comment: This study involves interpretation of variants in research participants for the purpose of population health screening. Participant phenotype was not available at the time of variant classification. Additional details can be found in publication PMID: 35346344, PMCID: PMC8962531

CHEO Genetics Diagnostic Laboratory, Children's Hospital of Eastern Ontario
Classification: Benign for Cardiomyopathy. Last evaluated: 2018-12-10. Review status: criteria provided, single submitter. Criteria: ACMG Guidelines, 2015. Collection method: clinical testing. Allele origin: germline.

Color Diagnostics, LLC DBA Color Health
Classification: Likely benign for Cardiomyopathy. Last evaluated: 2018-10-27. Review status: criteria provided, single submitter. Criteria: ACMG Guidelines, 2015. Collection method: clinical testing. Allele origin: germline.

NM_024334.3(TMEM43):c.-3A>T

Gene: TMEM43 (transmembrane protein 43; plus strand). Cytogenetic location: 3p25.1.
Variant type: single nucleotide variant.
Coding change: c.-3A>T on transcript NM_024334.3 (MANE Select); 3 bases upstream of the start codon, A replaced by T.
Molecular consequence: 5 prime UTR variant.
Genome position (GRCh38, 1-based): chr3:14,125,191, A>T. VCF-style: chr3-14125191-A-T. GRCh37 (hg19) VCF-style: chr3-14166691-A-T.
Identifiers: ClinVar variation 626716 (VCV000626716.8), dbSNP rs763829810, ClinGen allele CA053416.